The following is an entry in ClinVar:

NM_181523.3(PIK3R1):c.168A>G (p.Leu56=)

Gene: PIK3R1 (phosphoinositide-3-kinase regulatory subunit 1; plus strand). Cytogenetic location: 5q13.1.
Variant type: single nucleotide variant.
Coding change: c.168A>G on transcript NM_181523.3 (MANE Select); coding-DNA position 168, A replaced by G.
Protein change: p.Leu56=; no amino-acid change (leucine 56 retained).
Molecular consequence: synonymous variant.
Genome position (GRCh38, 1-based): chr5:68,226,843, A>G. VCF-style: chr5-68226843-A-G. GRCh37 (hg19) VCF-style: chr5-67522671-A-G.
Other names: NM_181523.3(PIK3R1):c.168A>G; p.Leu56=.
Identifiers: ClinVar variation 1141270 (VCV001141270.10), dbSNP rs972790556, ClinGen allele CA120629745.
Genomic context (GRCh38, chr5:68,226,843, plus strand): 5'-CTTAGTAGCTCTTGGATTCAGTGATGGACAGGAAGCCAGGCCTGAAGAAATTGGCTGGTT[A>G]AATGGCTATAATGAAACCACAGGGGAAAGGGGGGACTTTCCGGGAACTTACGTAGAATAT-3'
Protein context (NP_852664.1, residues 46-66): QEARPEEIGW[Leu56=]NGYNETTGER

ClinVar aggregate classification (germline): Likely benign. Review status: reviewed by expert panel (3 of 4 stars). 2 submissions from 2 submitters: Likely benign (1). 1 of the submissions does not count toward it. Last evaluated 2026-05-19.

Conditions:
PIK3R1-related immunodeficiency and SHORT syndrome. Identifiers: MedGen CN379774, MONDO:1060136.
Agammaglobulinemia 7, autosomal recessive (AGM7). Also called: AGAMMAGLOBULINEMIA, AUTOSOMAL RECESSIVE, DUE TO PIK3R1 DEFECT. Identifiers: MedGen C3554689, MONDO:0014083, OMIM 615214.
SHORT syndrome. Also called: SHORT STATURE, HYPEREXTENSIBILITY, HERNIA, OCULAR DEPRESSION, RIEGER ANOMALY, AND TEETHING DELAY; LIPODYSTROPHY, PARTIAL, WITH RIEGER ANOMALY AND SHORT STATURE; PIK3R1-Related SHORT Syndrome. Identifiers: Orphanet 3163, MedGen C0878684, MONDO:0010026, OMIM 269880.
Immunodeficiency 36 with lymphoproliferation. Also called: Activated PI3K Delta Syndrome Type 2 (APDS2); Immunodeficiency 36; ACTIVATED PI3K-DELTA SYNDROME 2. Identifiers: Orphanet 397596, Orphanet 693681, MedGen C4014934, MONDO:0014453, OMIM 616005.

Allele frequency attached by ClinVar (database versions not stated): gnomAD exomes below 0.00001; gnomAD 0.00001; TOPMed 0.00002.
gnomAD v4.1: 4 of 1,614,054 alleles (0.00025%); highest among the groups gnomAD compares: Admixed American, 0.0033%; no homozygotes.

Submissions (2):

ClinGen Primary Immune Regulatory Disorders Variant Curation Expert Panel, ClinGen
Classification: Likely benign for PIK3R1-related immunodeficiency and SHORT syndrome. Last evaluated: 2026-05-19. Review status: reviewed by expert panel. Criteria: ClinGen AbDef ACMG Specifications PIK3R1 V1.0.0. Collection method: curation. Allele origin: germline. Inheritance: Autosomal recessive inheritance.
Comment: NM_181523.3(PIK3R1):c.168A>G (p.Leu56=) is a silent variant in exon 2 causing a synonymous substitution at amino acid 56, and does not have an impact at splicing sites according to Splice AI (BP7). The splicing impact predictor SpliceAI gives a score of 0.02 for donor gain, which is below the ClinGen Antibody Deficiencies VCEP recommended threshold of <0.1 and does not strongly predict an impact on splicing (BP4). This variant is present in gnomAD v4.1.0 at a total allele frequency of 0.000002478, with 4 alleles / 1,614,054 total alleles across all populations of gnomAD, which is higher than the ClinGen Antibody Deficiencies PM2_Supporting threshold of <0.00000132. This variant is present in gnomAD v4.1.0 at a GrpMax allele frequency of 0.000005530, with 2 alleles / 60,004 total alleles in the Admixed American population, which is lower than the BS1 threshold of >0.000316, so no population code can be applied. In summary, this variant meets the criteria to be classified as Likely Benign for autosomal dominant PIK3R1-related immunodeficiency and SHORT syndrome based on the ACMG/AMP criteria applied, as specified by the ClinGen Antibody Deficiencies VCEP: BP4 and BP7. (VCEP specifications version 1.0.0; date of approval 04/29/2026).

Labcorp Genetics (formerly Invitae), Labcorp
Classification: Likely benign for SHORT syndrome; Immunodeficiency 36 with lymphoproliferation; Agammaglobulinemia 7, autosomal recessive. Last evaluated: 2025-11-24. Review status: criteria provided, single submitter. Criteria: Invitae Variant Classification Sherloc (09022015). Collection method: clinical testing. Allele origin: germline. Not counted in ClinVar's aggregate classification.